The following is an entry in ClinVar:

ClinVar aggregate classification (germline): Likely benign (1 of 4 stars; one submission).

gnomAD v4.1: 1 of 1,614,024 alleles (0.000062%); highest among the groups gnomAD compares: Non-Finnish European, 0.000085%; no homozygotes.

Submission:

CeGaT Center for Human Genetics Tuebingen
Classification: Likely benign. Last evaluated: 2024-10-01. Review status: criteria provided, single submitter. Criteria: CeGaT Center For Human Genetics Tuebingen Variant Classification Criteria Version 2. Collection method: clinical testing. Allele origin: germline. Affected: yes. Observed: 1 variant allele.
Comment: B9D2: BP4, BP7

NM_030578.4(B9D2):c.490C>T (p.Leu164=)

Gene: B9D2 (B9 domain containing 2; minus strand). Cytogenetic location: 19q13.2.
Variant type: single nucleotide variant.
Coding change: c.490C>T on transcript NM_030578.4 (MANE Select); coding-DNA position 490, C replaced by T.
Protein change: p.Leu164=; no amino-acid change (leucine 164 retained).
Molecular consequence: synonymous variant.
Genome position (GRCh38, 1-based): chr19:41,354,738, G>A on the plus strand (C>T on the coding strand, the complement: B9D2 is on the minus strand). VCF-style: chr19-41354738-G-A. GRCh37 (hg19) VCF-style: chr19-41860643-G-A.
Identifiers: ClinVar variation 3389881 (VCV003389881.14).